The following is an entry in ClinVar:

ClinVar aggregate classification (germline): Uncertain significance. Review status: criteria provided, multiple submitters, no conflicts (2 of 4 stars). 2 submissions from 2 submitters: Uncertain significance (2). Last evaluated 2025-05-12.

Conditions:
Hereditary cancer-predisposing syndrome. Also called: Neoplastic Syndromes, Hereditary; Tumor predisposition; Hereditary Cancer Syndrome; Hereditary neoplastic syndrome. Identifiers: Orphanet 140162, MedGen C0027672, MeSH D009386, MONDO:0015356.
Hereditary nonpolyposis colorectal neoplasms. Identifiers: MedGen C0009405, MeSH D003123.

Allele frequency attached by ClinVar (database versions not stated): gnomAD 0.00001.
gnomAD v4.1: 1 of 1,614,082 alleles (0.000062%); highest among the groups gnomAD compares: African/African-American, 0.0013%; no homozygotes.

Submissions (2):

Ambry Genetics
Classification: Uncertain significance for Hereditary cancer-predisposing syndrome. Last evaluated: 2025-05-12. Review status: criteria provided, single submitter. Criteria: Ambry Variant Classification Scheme 2023. Collection method: clinical testing. Allele origin: germline.
Comment: The p.D262N variant (also known as c.784G>A), located in coding exon 4 of the MSH6 gene, results from a G to A substitution at nucleotide position 784. The aspartic acid at codon 262 is replaced by asparagine, an amino acid with highly similar properties. This amino acid position is well conserved in available vertebrate species. In addition, the in silico prediction for this alteration is inconclusive. Based on the available evidence, the clinical significance of this variant remains unclear.

Labcorp Genetics (formerly Invitae), Labcorp
Classification: Uncertain significance for Hereditary nonpolyposis colorectal neoplasms. Last evaluated: 2021-06-03. Review status: criteria provided, single submitter. Criteria: Invitae Variant Classification Sherloc (09022015). Collection method: clinical testing. Allele origin: germline.
Comment: This sequence change replaces aspartic acid with asparagine at codon 262 of the MSH6 protein (p.Asp262Asn). The aspartic acid residue is moderately conserved and there is a small physicochemical difference between aspartic acid and asparagine. This variant is not present in population databases (ExAC no frequency). This variant has not been reported in the literature in individuals with MSH6-related conditions. Algorithms developed to predict the effect of missense changes on protein structure and function are either unavailable or do not agree on the potential impact of this missense change (SIFT: "Tolerated"; PolyPhen-2: "Probably Damaging"; Align-GVGD: "Class C0"). In summary, the available evidence is currently insufficient to determine the role of this variant in disease. Therefore, it has been classified as a Variant of Uncertain Significance.

NM_000179.3(MSH6):c.784G>A (p.Asp262Asn)

Gene: MSH6 (mutS homolog 6; plus strand). Cytogenetic location: 2p16.3.
Variant type: single nucleotide variant.
Coding change: c.784G>A on transcript NM_000179.3 (MANE Select); coding-DNA position 784, G replaced by A.
Protein change: p.Asp262Asn; replaces aspartic acid 262 with asparagine.
Molecular consequence: missense variant. On other transcripts: 5 prime UTR variant (2).
Genome position (GRCh38, 1-based): chr2:47,798,767, G>A. VCF-style: chr2-47798767-G-A. GRCh37 (hg19) VCF-style: chr2-48025906-G-A.
Other names: c.-123G>A (NM_001281493.2, NM_001281494.2); c.394G>A, p.Asp132Asn (NM_001281492.2); short protein forms D132N, D262N.
Identifiers: ClinVar variation 639618 (VCV000639618.12), dbSNP rs1572720344, ClinGen allele CA346740258.